The following is an entry in ClinVar:

ClinVar aggregate classification (germline): Uncertain significance (1 of 4 stars; one submission).

Conditions:
Inborn genetic diseases. Identifiers: MedGen C0950123, MeSH D030342.

gnomAD v4.1: 1 of 1,612,360 alleles (0.000062%); highest among the groups gnomAD compares: Middle Eastern, 0.017%; no homozygotes.

Submission:

Ambry Genetics
Classification: Uncertain significance for Inborn genetic diseases. Last evaluated: 2026-01-19. Review status: criteria provided, single submitter. Criteria: Ambry Variant Classification Scheme 2023. Collection method: clinical testing. Allele origin: germline.
Comment: The p.E236K variant (also known as c.706G>A), located in coding exon 6 of the G6PC3 gene, results from a G to A substitution at nucleotide position 706. The glutamic acid at codon 236 is replaced by lysine, an amino acid with similar properties. This amino acid position is conserved. In addition, this alteration is predicted to be tolerated by in silico analysis. Based on the available evidence, the clinical significance of this variant remains unclear.

NM_138387.4(G6PC3):c.706G>A (p.Glu236Lys)

Gene: G6PC3 (glucose-6-phosphatase catalytic subunit 3; plus strand). Cytogenetic location: 17q21.31.
Variant type: single nucleotide variant.
Coding change: c.706G>A on transcript NM_138387.4 (MANE Select); coding-DNA position 706, G replaced by A.
Protein change: p.Glu236Lys; replaces glutamic acid 236 with lysine.
Molecular consequence: missense variant. On other transcripts: synonymous variant (1).
Genome position (GRCh38, 1-based): chr17:44,075,708, G>A. VCF-style: chr17-44075708-G-A. GRCh37 (hg19) VCF-style: chr17-42153076-G-A.
Other names: c.587G>A, p.Ter196= (NM_001319945.2); c.361G>A, p.Glu121Lys (NM_001384165.1, NM_001384166.1, NM_001384167.1 and 1 more transcripts); short protein forms E121K, E236K.
Identifiers: ClinVar variation 4825568 (VCV004825568.1).